The following is an entry in ClinVar:

NM_000687.4(AHCY):c.428A>G (p.Tyr143Cys)

Gene: AHCY (adenosylhomocysteinase; minus strand). Cytogenetic location: 20q11.22.
Variant type: single nucleotide variant.
Coding change: c.428A>G on transcript NM_000687.4 (MANE Select); coding-DNA position 428, A replaced by G.
Protein change: p.Tyr143Cys; replaces tyrosine 143 with cysteine.
Molecular consequence: missense variant.
Genome position (GRCh38, 1-based): chr20:34,292,375, T>C on the plus strand (A>G on the coding strand, the complement: AHCY is on the minus strand). VCF-style: chr20-34292375-T-C. GRCh37 (hg19) VCF-style: chr20-32880181-T-C.
Other names: c.344A>G, p.Tyr115Cys (NM_001161766.2, NM_001322084.2, NM_001322085.2); c.434A>G, p.Tyr145Cys (NM_001322086.2); c.428A>G, p.Tyr143Cys (NM_001362750.2); short protein forms Y143C, Y115C, Y145C.
Identifiers: ClinVar variation 12953 (VCV000012953.22), dbSNP rs121918608, ClinGen allele CA122806.

ClinVar aggregate classification (germline): Pathogenic/Likely pathogenic. Review status: criteria provided, multiple submitters, no conflicts (2 of 4 stars). 12 submissions from 12 submitters: Pathogenic (4); Likely pathogenic (6). 2 of the submissions do not count toward it. Last evaluated 2026-01-12.

Conditions:
AHCY-related disorder. Also called: AHCY-related condition.
Rhabdomyolysis. Also called: Rhabdomyolysis (disease). Identifiers: MedGen C0035410, HP:0003201, MONDO:0005290.
Inborn genetic diseases. Identifiers: MedGen C0950123, MeSH D030342.
Hypermethioninemia with deficiency of S-adenosylhomocysteine hydrolase. Identifiers: Orphanet 88618, MedGen C3151058, MONDO:0013404, OMIM 613752.

Allele frequency attached by ClinVar (database versions not stated): gnomAD exomes 0.00008; ExAC 0.00009; gnomAD 0.00009; TOPMed 0.00009.
gnomAD v4.1: 249 of 1,613,226 alleles (0.015%); highest among the groups gnomAD compares: Non-Finnish European, 0.02%; no homozygotes.

Submissions (12):

Labcorp Genetics (formerly Invitae), Labcorp
Classification: Pathogenic for Hypermethioninemia with deficiency of S-adenosylhomocysteine hydrolase. Last evaluated: 2026-01-12. Review status: criteria provided, single submitter. Criteria: Invitae Variant Classification Sherloc (09022015). Collection method: clinical testing. Allele origin: germline.
Comment: This sequence change replaces tyrosine, which is neutral and polar, with cysteine, which is neutral and slightly polar, at codon 143 of the AHCY protein (p.Tyr143Cys). This variant is present in population databases (rs121918608, gnomAD 0.02%). This missense change has been observed in individual(s) with clinical features of S-adenosylhomocysteine hydrolase deficiency (PMID: 15024124, 16736098, 28779239, 33072517). In at least one individual the data is consistent with being in trans (on the opposite chromosome) from a pathogenic variant. ClinVar contains an entry for this variant (Variation ID: 12953). Invitae Evidence Modeling of protein sequence and biophysical properties (such as structural, functional, and spatial information, amino acid conservation, physicochemical variation, residue mobility, and thermodynamic stability) indicates that this missense variant is expected to disrupt AHCY protein function with a positive predictive value of 95%. Experimental studies have shown that this missense change affects AHCY function (PMID: 16872278). For these reasons, this variant has been classified as Pathogenic.

Variantyx, Inc.
Classification: Pathogenic for Hypermethioninemia with deficiency of S-adenosylhomocysteine hydrolase. Last evaluated: 2025-09-14. Review status: criteria provided, single submitter. Criteria: Variantyx Assertion Criteria 2022. Collection method: clinical testing. Allele origin: germline. Inheritance: Autosomal recessive inheritance.
Comment: This is a nonsynonymous variant in the AHCY gene (OMIM: 180960). Pathogenic variants in this gene have been associated with autosomal recessive hypermethioninemia with deficiency of S-adenosylhomocysteine hydrolase. This variant has been identified in the homozygous or compound heterozygous state in several individuals reported in the published literature (PMID: 26974671, 35463910) (PM3). Functional studies have shown that this variant alters AHCY protein function (PMID: 16872278) (PS3_Moderate), and multiple computational algorithms predict a deleterious effect for this variant (REVEL score: 0.929) (PP3). This variant has a 0.0202% maximum allele frequency in non-founder control populations (PM2). Based on the current evidence, this variant is classified as pathogenic for autosomal recessive hypermethioninemia with deficiency of S-adenosylhomocysteine hydrolase.A

PreventionGenetics, part of Exact Sciences
Classification: Likely pathogenic for AHCY-related condition. Last evaluated: 2025-06-06. Review status: criteria provided, single submitter. Criteria: ACMG Guidelines, 2015. Collection method: clinical testing. Allele origin: germline.
Comment: The AHCY c.428A>G variant is predicted to result in the amino acid substitution p.Tyr143Cys. This variant has been reported in the compound heterozygous state in individuals with autosomal recessive hypermethioninemia with deficiency of S-adenosylhomocysteine hydrolase (Baric et al. 2004. PubMed ID: 15024124; Vivante et al. 2017. PubMed ID: 28779239, Table 2; Lee et al. 2020. PubMed ID: 33072517, Supplement). Functional studies suggest this variant impacts protein function and stability (Beluzić et al. 2006. PubMed ID: 16872278; Grbeša et al. 2017. PubMed ID: 28647132). This variant is reported in 0.016% of alleles in individuals of European (Non-Finnish) descent in gnomAD. This variant is interpreted as likely pathogenic.

Dasa
Classification: Likely pathogenic. Last evaluated: 2024-08-16. Review status: criteria provided, single submitter. Criteria: DASA Assertion Criteria. Collection method: clinical testing. Allele origin: germline.
Comment: NM_000687.4(AHCY):c.428A>G (p.Tyr143Cys) is a missense variant that results in the substitution of tyrosine with cysteine. This variant has been reported in individuals with AHCY-related disorders (PMID: 16736098). Segregation data support an association with disease in the reported family/families (PMID: 16736098). Functional evidence supports an impact on the gene or gene product (PMID: 16872278). Also, this variant is rare in population databases. Based on the currently available evidence, this variant is classified as likely pathogenic.

Fulgent Genetics
Classification: Likely pathogenic for Hypermethioninemia with deficiency of S-adenosylhomocysteine hydrolase. Last evaluated: 2024-04-15. Review status: criteria provided, single submitter. Criteria: ACMG Guidelines, 2015. Collection method: clinical testing. Allele origin: germline.

GeneDx
Classification: Likely pathogenic. Last evaluated: 2023-07-10. Review status: criteria provided, single submitter. Criteria: GeneDx Variant Classification Process June 2021. Collection method: clinical testing. Allele origin: germline. Affected: yes.
Comment: Published functional studies of enzymatic assays showed that this variant reduced hydrolysis and synthesis to 25% and 34% of wildtype, suggesting a damaging effect (Beluzic et al., 2006); In silico analysis supports that this missense variant has a deleterious effect on protein structure/function; This variant is associated with the following publications: (PMID: 28647132, 34426522, 31589614, 28779239, 15024124, 18211827, 16736098, 33072517, 26095522, 16872278, 35463910)

Women's Health and Genetics/Laboratory Corporation of America, LabCorp
Classification: Pathogenic for Hypermethioninemia with deficiency of S-adenosylhomocysteine hydrolase. Last evaluated: 2023-06-30. Review status: criteria provided, single submitter. Criteria: LabCorp Variant Classification Summary - May 2015. Collection method: clinical testing. Allele origin: germline.
Comment: Variant summary: AHCY c.428A>G (p.Tyr143Cys) results in a non-conservative amino acid change in the encoded protein sequence. Five of five in-silico tools predict a damaging effect of the variant on protein function. The variant allele was found at a frequency of 8e-05 in 250902 control chromosomes (gnomAD). c.428A>G has been reported in the literature as a biallelic genotype in multiple individuals affected with Hypermethioninemia with deficiency of S-adenosylhomocysteine hydrolase (e.g. Baric_2004, Baric_2005, Buist_2006), as well as in individuals affected with Neurodevelopmental Disorders (Soden_2014) and Rhabdomyolysis (Vivante_2017), which are associated phenotypes for Hypermethioninemia with deficiency of S-adenosylhomocysteine hydrolase. These data indicate that the variant is very likely to be associated with disease. Recombinant proteins purified from E.coli cultures showed the variant had reduced hydrolysis activity (25%) and reduced synthesis activity (34%) as compared to wild-type (Beluzic_2006). The following publications have been ascertained in the context of this evaluation (PMID: 16435181, 15024124, 16872278, 16736098, 25473036, 28779239). Six ClinVar submitters have assessed the variant since 2014: four classified the variant as likely pathogenic and two as pathogenic. Based on the evidence outlined above, the variant was classified as pathogenic.

Institute of Medical Genetics and Applied Genomics, University Hospital Tübingen
Classification: Likely pathogenic. Last evaluated: 2020-10-23. Review status: criteria provided, single submitter. Criteria: ACMG Guidelines, 2015. Collection method: clinical testing. Allele origin: germline. Inheritance: Unknown mechanism. Affected: yes.

Ambry Genetics
Classification: Pathogenic for Inborn genetic diseases. Last evaluated: 2017-09-15. Review status: criteria provided, single submitter. Criteria: Ambry exome assertion method (8-5-2015). Collection method: clinical testing. Allele origin: germline. Affected: yes. Observed: 1 variant allele.

Center for Pediatric Genomic Medicine, Children's Mercy Hospital and Clinics
Classification: Likely pathogenic. Last evaluated: 2014-05-19. Review status: criteria provided, single submitter. Criteria: ACMG Guidelines, 2015. Collection method: clinical testing. Allele origin: germline.

Yale Center for Mendelian Genomics, Yale University
Classification: Likely pathogenic for Rhabdomyolysis. Last evaluated: 2017-08-05. Review status: no assertion criteria provided. Collection method: literature only. Allele origin: germline. Affected: yes. Observed: 1 compound heterozygote. Not counted in ClinVar's aggregate classification.

OMIM
Classification: Pathogenic for HYPERMETHIONINEMIA WITH S-ADENOSYLHOMOCYSTEINE HYDROLASE DEFICIENCY. Last evaluated: 2004-03-23. Review status: no assertion criteria provided. Collection method: literature only. Allele origin: germline. Not counted in ClinVar's aggregate classification.

Literature cited by the submitters: PubMed 15024124 (cited by 4 submitters); PubMed 16736098 (cited by 3 submitters); PubMed 28779239 (cited by 4 submitters); PubMed 33072517 (cited by Labcorp Genetics (formerly Invitae), Labcorp); PubMed 16872278 (cited by 4 submitters); PubMed 26974671 (cited by Variantyx, Inc.); PubMed 35463910 (cited by Variantyx, Inc.); PubMed 25473036 (cited by Women's Health and Genetics/Laboratory Corporation of America, LabCorp); PubMed 16435181 (cited by Women's Health and Genetics/Laboratory Corporation of America, LabCorp); PubMed 28647132 (cited by Ambry Genetics); PubMed 18211827 (cited by Ambry Genetics).